The following is an entry in ClinVar:

ClinVar aggregate classification (germline): Pathogenic (1 of 4 stars; one submission).

Conditions:
Primary ciliary dyskinesia. Also called: Ciliary dyskinesia. Identifiers: Orphanet 244, MedGen C0008780, MONDO:0016575, HP:0012265.

Submission:

Labcorp Genetics (formerly Invitae), Labcorp
Classification: Pathogenic for Primary ciliary dyskinesia. Last evaluated: 2023-04-07. Review status: criteria provided, single submitter. Criteria: Invitae Variant Classification Sherloc (09022015). Collection method: clinical testing. Allele origin: germline.
Comment: Algorithms developed to predict the effect of sequence changes on RNA splicing suggest that this variant may create or strengthen a splice site. This variant has not been reported in the literature in individuals affected with DNAH11-related conditions. This variant is not present in population databases (gnomAD no frequency). This sequence change creates a premature translational stop signal (p.Gly3511*) in the DNAH11 gene. It is expected to result in an absent or disrupted protein product. Loss-of-function variants in DNAH11 are known to be pathogenic (PMID: 18022865, 20513915, 22184204). For these reasons, this variant has been classified as Pathogenic.

Literature cited by the submitters: PubMed 18022865; PubMed 20513915; PubMed 22184204.

NM_001277115.2(DNAH11):c.10531G>T (p.Gly3511Ter)

Gene: DNAH11 (dynein axonemal heavy chain 11; plus strand). Cytogenetic location: 7p15.3.
Variant type: single nucleotide variant.
Coding change: c.10531G>T on transcript NM_001277115.2 (MANE Select); coding-DNA position 10531, G replaced by T.
Protein change: p.Gly3511Ter; replaces glycine 3511 with a stop codon.
Molecular consequence: nonsense.
Genome position (GRCh38, 1-based): chr7:21,816,665, G>T. VCF-style: chr7-21816665-G-T. GRCh37 (hg19) VCF-style: chr7-21856283-G-T.
Other names: c.10552G>T, p.Gly3518Ter (NM_003777.3); short protein forms G3511*, G3518*.
Identifiers: ClinVar variation 2842652 (VCV002842652.3), dbSNP rs1562563770, ClinGen allele CA366949089.